The following is an entry in ClinVar:

NM_000548.5(TSC2):c.1839+4T>C

Gene: TSC2 (TSC complex subunit 2; plus strand). Cytogenetic location: 16p13.3.
Variant type: single nucleotide variant.
Coding change: c.1839+4T>C on transcript NM_000548.5 (MANE Select); 4 bases into the intron after coding-DNA position 1839, T replaced by C.
Molecular consequence: intron variant.
Genome position (GRCh38, 1-based): chr16:2,070,582, T>C. VCF-style: chr16-2070582-T-C. GRCh37 (hg19) VCF-style: chr16-2120583-T-C.
Other names: c.1839+4T>C (NM_001363528.2, NM_001370404.1, NM_001077183.3 and 3 more transcripts); c.1728+4T>C (NM_001318827.2); c.1239+4T>C (NM_001318831.2); c.1692+4T>C (NM_001318829.2); c.1872+4T>C (NM_001318832.2).
Identifiers: ClinVar variation 467901 (VCV000467901.11), dbSNP rs1246472342, ClinGen allele CA620705905.

ClinVar aggregate classification (germline): Conflicting classifications of pathogenicity. Review status: criteria provided, conflicting classifications (1 of 4 stars). 2 submissions from 2 submitters: Uncertain significance (1); Likely benign (1). Last evaluated 2025-12-11.

Conditions:
Tuberous sclerosis 2 (TSC2). Identifiers: Orphanet 805, MedGen C1860707, MONDO:0013199, OMIM 613254.
Hereditary cancer-predisposing syndrome. Also called: Hereditary neoplastic syndrome; Neoplastic Syndromes, Hereditary; Tumor predisposition; Hereditary Cancer Syndrome. Identifiers: Orphanet 140162, MedGen C0027672, MeSH D009386, MONDO:0015356.

Allele frequency attached by ClinVar (database versions not stated): gnomAD exomes below 0.00001.

Submissions (2):

Ambry Genetics
Classification: Uncertain significance for Hereditary cancer-predisposing syndrome. Last evaluated: 2025-12-11. Review status: criteria provided, single submitter. Criteria: Ambry Variant Classification Scheme 2023. Collection method: clinical testing. Allele origin: germline.
Comment: The c.1839+4T>C intronic variant results from a T to C substitution 4 nucleotides after coding exon 16 in the TSC2 gene. This nucleotide position is not well conserved in available vertebrate species. In silico splice site analysis predicts that this alteration will not have any significant effect on splicing; however, direct evidence is insufficient at this time (Ambry internal data). Since supporting evidence is limited at this time, the clinical significance of this alteration remains unclear.

Labcorp Genetics (formerly Invitae), Labcorp
Classification: Likely benign for Tuberous sclerosis 2. Last evaluated: 2025-08-11. Review status: criteria provided, single submitter. Criteria: Invitae Variant Classification Sherloc (09022015). Collection method: clinical testing. Allele origin: germline.